The following is an entry in ClinVar:

NM_000486.6(AQP2):c.39G>A (p.Val13=)

Gene: AQP2 (aquaporin 2; plus strand). Cytogenetic location: 12q13.12.
Variant type: single nucleotide variant.
Coding change: c.39G>A on transcript NM_000486.6 (MANE Select); coding-DNA position 39, G replaced by A.
Protein change: p.Val13=; no amino-acid change (valine 13 retained).
Molecular consequence: synonymous variant.
Genome position (GRCh38, 1-based): chr12:49,950,869, G>A. VCF-style: chr12-49950869-G-A. GRCh37 (hg19) VCF-style: chr12-50344652-G-A.
Other names: p.Val13=.
Identifiers: ClinVar variation 256244 (VCV000256244.46), dbSNP rs61733029, ClinGen allele CA6559130.

ClinVar aggregate classification (germline): Benign/Likely benign. Review status: criteria provided, multiple submitters, no conflicts (2 of 4 stars). 10 submissions from 10 submitters: Benign (3); Likely benign (6). 1 of the submissions does not count toward it. Last evaluated 2026-01-28.

Conditions:
Diabetes insipidus, nephrogenic, autosomal (NDI2). Also called: Diabetes insipidus, nephrogenic, 2, autosomal; Nephrogenic Diabetes Insipidus, Type II. Identifiers: Orphanet 223, MedGen C1563706, MONDO:0007451, OMIM 125800.
Nephrogenic diabetes insipidus. Identifiers: Orphanet 223, MedGen C0162283, MONDO:0016383, HP:0009806.

Allele frequency attached by ClinVar (database versions not stated): 1000 Genomes Project 30x 0.00297; 1000 Genomes Project 0.00359; ESP Exome Variant Server 0.00500; gnomAD 0.00523 and 0.00540; ExAC 0.00586; gnomAD exomes 0.00590 and 0.00667; TOPMed 0.00634.

Submissions (10):

Labcorp Genetics (formerly Invitae), Labcorp
Classification: Benign. Last evaluated: 2026-01-28. Review status: criteria provided, single submitter. Criteria: Invitae Variant Classification Sherloc (09022015). Collection method: clinical testing. Allele origin: germline.

CeGaT Center for Human Genetics Tuebingen
Classification: Likely benign. Last evaluated: 2025-09-01. Review status: criteria provided, single submitter. Criteria: CeGaT Center For Human Genetics Tuebingen Variant Classification Criteria Version 2. Collection method: clinical testing. Allele origin: germline. Affected: yes. Observed: 3 variant alleles.
Comment: AQP2: BP4, BP7, BS2

Mayo Clinic Laboratories, Mayo Clinic
Classification: Likely benign. Last evaluated: 2025-06-27. Review status: criteria provided, single submitter. Criteria: ACMG Guidelines, 2015. Collection method: clinical testing. Allele origin: germline. Observed: 2 variant alleles.
Comment: BS1, BP4, BP7

Women's Health and Genetics/Laboratory Corporation of America, LabCorp
Classification: Benign. Last evaluated: 2024-12-06. Review status: criteria provided, single submitter. Criteria: LabCorp Variant Classification Summary - May 2015. Collection method: clinical testing. Allele origin: germline.

Blueprint Genetics
Classification: Likely benign. Last evaluated: 2024-11-19. Review status: criteria provided, single submitter. Criteria: ACMG Guidelines, 2015. Collection method: clinical testing. Allele origin: germline.

Genome-Nilou Lab
Classification: Benign for Diabetes insipidus, nephrogenic, autosomal. Last evaluated: 2021-12-05. Review status: criteria provided, single submitter. Criteria: ACMG Guidelines, 2015. Collection method: clinical testing. Allele origin: germline. Affected: no.

Illumina Laboratory Services, Illumina
Classification: Likely benign for Diabetes insipidus, nephrogenic, autosomal. Last evaluated: 2018-01-12. Review status: criteria provided, single submitter. Criteria: ICSL Variant Classification Criteria 13 December 2019. Collection method: clinical testing. Allele origin: germline.
Comment: This variant was observed in the ICSL laboratory as part of a predisposition screen in an ostensibly healthy population. It had not been previously curated by ICSL or reported in the Human Gene Mutation Database (HGMD: prior to June 1st, 2018), and was therefore a candidate for classification through an automated scoring system. Utilizing variant allele frequency, disease prevalence and penetrance estimates, and inheritance mode, an automated score was calculated to assess if this variant is too frequent to cause the disease. Based on the score and internal cut-off values, a variant classified as likely benign is not then subjected to further curation. The score for this variant resulted in a classification of likely benign for this disease.

Breakthrough Genomics
Classification: Likely benign. Review status: criteria provided, single submitter. Criteria: ACMG Guidelines, 2015. Collection method: not provided. Allele origin: germline. Inheritance: Autosomal dominant inheritance. Affected: yes.

PreventionGenetics, part of Exact Sciences
Classification: Likely benign. Review status: criteria provided, single submitter. Criteria: ACMG Guidelines, 2015. Collection method: clinical testing. Allele origin: germline.

Natera, Inc.
Classification: Likely benign for Nephrogenic diabetes insipidus. Last evaluated: 2019-11-28. Review status: no assertion criteria provided. Collection method: clinical testing. Allele origin: germline. Not counted in ClinVar's aggregate classification.